The following is an entry in ClinVar:

NM_005026.5(PIK3CD):c.2714G>T (p.Gly905Val)

Gene: PIK3CD (phosphatidylinositol-4,5-bisphosphate 3-kinase catalytic subunit delta; plus strand). Cytogenetic location: 1p36.22.
Variant type: single nucleotide variant.
Coding change: c.2714G>T on transcript NM_005026.5 (MANE Select); coding-DNA position 2714, G replaced by T.
Protein change: p.Gly905Val; replaces glycine 905 with valine.
Molecular consequence: missense variant.
Genome position (GRCh38, 1-based): chr1:9,724,088, G>T. VCF-style: chr1-9724088-G-T. GRCh37 (hg19) VCF-style: chr1-9784146-G-T.
Other names: c.2711G>T, p.Gly904Val (NM_001350234.2); c.2627G>T, p.Gly876Val (NM_001350235.1); short protein forms G876V, G904V, G905V.
Identifiers: ClinVar variation 3613742 (VCV003613742.2).

ClinVar aggregate classification (germline): Uncertain significance (1 of 4 stars; one submission).

Conditions:
Immunodeficiency 14 (IMD14A). Also called: IMMUNODEFICIENCY 14A WITH LYMPHOPROLIFERATION, AUTOSOMAL DOMINANT; p110-DELTA-ACTIVATING MUTATION CAUSING SENESCENT T CELLS, LYMPHADENOPATHY, AND IMMUNODEFICIENCY; ACTIVATED PI3K-DELTA SYNDROME 1; Activated PI3K Delta Syndrome Type 1 (APDS1). Identifiers: Orphanet 397596, Orphanet 693661, MedGen C5907821, MONDO:0014222, OMIM 615513.

gnomAD v4.1: 2 of 1,614,046 alleles (0.00012%); highest among the groups gnomAD compares: Admixed American, 0.0033%; no homozygotes.

Submission:

Labcorp Genetics (formerly Invitae), Labcorp
Classification: Uncertain significance for Activated PI3K-delta syndrome. Last evaluated: 2024-06-03. Review status: criteria provided, single submitter. Criteria: Invitae Variant Classification Sherloc (09022015). Collection method: clinical testing. Allele origin: germline.
Comment: This sequence change replaces glycine, which is neutral and non-polar, with valine, which is neutral and non-polar, at codon 905 of the PIK3CD protein (p.Gly905Val). This variant is present in population databases (rs770690790, gnomAD 0.006%). This variant has not been reported in the literature in individuals affected with PIK3CD-related conditions. Advanced modeling of protein sequence and biophysical properties (such as structural, functional, and spatial information, amino acid conservation, physicochemical variation, residue mobility, and thermodynamic stability) performed at Invitae indicates that this missense variant is expected to disrupt PIK3CD protein function with a positive predictive value of 80%. In summary, the available evidence is currently insufficient to determine the role of this variant in disease. Therefore, it has been classified as a Variant of Uncertain Significance.